The following is an entry in ClinVar:

NM_004608.4(TBX6):c.961G>T (p.Glu321Ter)

Gene: TBX6 (T-box transcription factor 6; minus strand). Cytogenetic location: 16p11.2.
Variant type: single nucleotide variant.
Coding change: c.961G>T on transcript NM_004608.4 (MANE Select); coding-DNA position 961, G replaced by T.
Protein change: p.Glu321Ter; replaces glutamic acid 321 with a stop codon.
Molecular consequence: nonsense.
Genome position (GRCh38, 1-based): chr16:30,086,648, C>A on the plus strand (G>T on the coding strand, the complement: TBX6 is on the minus strand). VCF-style: chr16-30086648-C-A. GRCh37 (hg19) VCF-style: chr16-30097969-C-A.
Other names: short protein forms E321*.
Identifiers: ClinVar variation 5018577 (VCV005018577.2).

ClinVar aggregate classification (germline): Likely pathogenic (1 of 4 stars; one submission).

Conditions:
Spondylocostal dysostosis 5 (SCDO5). Also called: SCOLIOSIS, CONGENITAL, WITH OR WITHOUT RIB ANOMALIES. Identifiers: MedGen C4083048, MONDO:0007389, OMIM 122600.

Submission:

Juno Genomics, Hangzhou Juno Genomics, Inc
Classification: Likely pathogenic for Spondylocostal dysostosis 5. Review status: criteria provided, single submitter. Criteria: ACMG Guidelines, 2015. Collection method: clinical testing. Allele origin: germline.
Comment: Absent from controls (or at extremely low frequency if recessive) in Genome Aggregation Database.;Null variant in a gene where loss of function (LOF) is a known mechanism of disease.